The following is an entry in ClinVar:

NM_004364.5(CEBPA):c.797G>T (p.Ser266Ile)

Gene: CEBPA (CCAAT enhancer binding protein alpha; minus strand). Cytogenetic location: 19q13.11.
Variant type: single nucleotide variant.
Coding change: c.797G>T on transcript NM_004364.5 (MANE Select); coding-DNA position 797, G replaced by T.
Protein change: p.Ser266Ile; replaces serine 266 with isoleucine.
Molecular consequence: missense variant.
Genome position (GRCh38, 1-based): chr19:33,301,618, C>A on the plus strand (G>T on the coding strand, the complement: CEBPA is on the minus strand). VCF-style: chr19-33301618-C-A. GRCh37 (hg19) VCF-style: chr19-33792524-C-A.
Other names: c.440G>T, p.Ser147Ile (NM_001285829.2); c.902G>T, p.Ser301Ile (NM_001287424.2); c.755G>T, p.Ser252Ile (NM_001287435.2); short protein forms S147I, S266I, S252I, S301I.
Identifiers: ClinVar variation 4225057 (VCV004225057.1).

ClinVar aggregate classification (germline): Uncertain significance (1 of 4 stars; one submission).

Conditions:
Inborn genetic diseases. Identifiers: MedGen C0950123, MeSH D030342.

Submission:

Ambry Genetics
Classification: Uncertain significance for Inborn genetic diseases. Last evaluated: 2025-09-01. Review status: criteria provided, single submitter. Criteria: Ambry Variant Classification Scheme 2023. Collection method: clinical testing. Allele origin: germline.
Comment: The p.S266I variant (also known as c.797G>T), located in coding exon 1 of the CEBPA gene, results from a G to T substitution at nucleotide position 797. The serine at codon 266 is replaced by isoleucine, an amino acid with dissimilar properties. This amino acid position is conserved. In addition, this alteration is predicted to be tolerated by in silico analysis. Based on the available evidence, the clinical significance of this variant remains unclear.